The following is an entry in ClinVar:

NM_001961.4(EEF2):c.1151-7C>T

Gene: EEF2 (eukaryotic translation elongation factor 2; minus strand). Cytogenetic location: 19p13.3.
Variant type: single nucleotide variant.
Coding change: c.1151-7C>T on transcript NM_001961.4 (MANE Select); 7 bases into the intron before coding-DNA position 1151, C replaced by T.
Molecular consequence: intron variant.
Genome position (GRCh38, 1-based): chr19:3,980,716, G>A on the plus strand (C>T on the coding strand, the complement: EEF2 is on the minus strand). VCF-style: chr19-3980716-G-A. GRCh37 (hg19) VCF-style: chr19-3980714-G-A.
Identifiers: ClinVar variation 447290 (VCV000447290.12), dbSNP rs200181170, ClinGen allele CA9088978.

ClinVar aggregate classification (germline): Benign/Likely benign. Review status: criteria provided, multiple submitters, no conflicts (2 of 4 stars). 3 submissions from 3 submitters: Benign (1); Likely benign (2). Last evaluated 2026-01-18.

Allele frequency attached by ClinVar (database versions not stated): ESP Exome Variant Server 0.00092; ExAC 0.00097; gnomAD exomes 0.00098 and 0.00163; gnomAD 0.00114 and 0.00121; TOPMed 0.00129.
gnomAD v4.1: 2,521 of 1,611,430 alleles (0.16%); highest among the groups gnomAD compares: Non-Finnish European, 0.2%; 1 homozygote.

Submissions (3):

Labcorp Genetics (formerly Invitae), Labcorp
Classification: Likely benign. Last evaluated: 2026-01-18. Review status: criteria provided, single submitter. Criteria: Invitae Variant Classification Sherloc (09022015). Collection method: clinical testing. Allele origin: germline.

Athena Diagnostics
Classification: Benign. Last evaluated: 2025-02-11. Review status: criteria provided, single submitter. Criteria: Athena Diagnostics Criteria. Collection method: clinical testing. Allele origin: unknown.
Comment: The frequency of this variant in the general population is higher than would generally be expected for pathogenic variants in this gene.

Blueprint Genetics
Classification: Likely benign. Last evaluated: 2024-11-26. Review status: criteria provided, single submitter. Criteria: ACMG Guidelines, 2015. Collection method: clinical testing. Allele origin: germline.